The following is an entry in ClinVar:

NM_001387430.1(SH2B1):c.2066C>T (p.Pro689Leu)

Gene: SH2B1 (SH2B adaptor protein 1; plus strand). Cytogenetic location: 16p11.2.
Variant type: single nucleotide variant.
Coding change: c.2066C>T on transcript NM_001387430.1 (MANE Select); coding-DNA position 2066, C replaced by T.
Protein change: p.Pro689Leu; replaces proline 689 with leucine.
Molecular consequence: missense variant. On other transcripts: 3 prime UTR variant (5).
Genome position (GRCh38, 1-based): chr16:28,873,615, C>T. VCF-style: chr16-28873615-C-T. GRCh37 (hg19) VCF-style: chr16-28884936-C-T.
Other names: c.2066C>T, p.Pro689Leu (NM_001145795.2, NM_001308293.2, NM_001387404.1); c.*150C>T (NM_001145796.2, NM_001145812.2, NM_001308294.2 and 1 more transcripts); c.*167C>T (NM_001145797.2); short protein forms P689L.
Identifiers: ClinVar variation 3049049 (VCV003049049.2), dbSNP rs1235077749, ClinGen allele CA395397993.

ClinVar aggregate classification (germline): Uncertain significance (0 of 4 stars; one submission).

Conditions:
SH2B1-related disorder. Also called: SH2B1-related condition.

Allele frequency attached by ClinVar (database versions not stated): TOPMed 0.00003; gnomAD 0.00004.
gnomAD v4.1: 68 of 1,547,328 alleles (0.0044%); highest among the groups gnomAD compares: Non-Finnish European, 0.0055%; no homozygotes.

Submission:

PreventionGenetics, part of Exact Sciences
Classification: Uncertain significance for SH2B1-related condition. Last evaluated: 2024-01-02. Review status: no assertion criteria provided. Collection method: clinical testing. Allele origin: germline.
Comment: The SH2B1 c.2066C>T variant is predicted to result in the amino acid substitution p.Pro689Leu. To our knowledge, this variant has not been reported in the literature. This variant is reported in 0.0042% of alleles in individuals of Latino descent in gnomAD. At this time, the clinical significance of this variant is uncertain due to the absence of conclusive functional and genetic evidence.